The following is an entry in ClinVar:

ClinVar aggregate classification (germline): Conflicting classifications of pathogenicity. Review status: criteria provided, conflicting classifications (1 of 4 stars). 2 submissions from 2 submitters: Uncertain significance (1); Likely benign (1). Last evaluated 2026-07-31.

Conditions:
Hypogonadotropic hypogonadism. Also called: Hypogonadotropic hypogonadism with or without anosmia; Hypogonadotrophic hypogonadism; Isolated hypogonadotropic hypogonadism; Low gonadotropins (secondary hypogonadism). Identifiers: Orphanet 432, MedGen C0271623, MONDO:0018555, HP:0000044.

Submissions (2):

GeneDx
Classification: Uncertain significance. Last evaluated: 2026-07-31. Review status: criteria provided, single submitter. Criteria: GeneDx Variant Classification Process June 2021. Collection method: clinical testing. Allele origin: germline.
Comment: Reported previously as a likely benign variant in a patient with normosmic idiopathic hypogonadotropic hypogonadism (PMID: 39290158); Not observed at significant frequency in large population cohorts (gnomAD); In silico analysis suggests that this missense variant does not alter protein structure/function; This variant is associated with the following publications: (PMID: 39290158)

Reproductive Endocrine Unit, Massachusetts General Hospital
Classification: Likely benign for HYPOGONADOTROPIC HYPOGONADISM. Last evaluated: 2024-06-25. Review status: criteria provided, single submitter. Criteria: ACMG Guidelines, 2015. Collection method: research. Allele origin: unknown. Affected: yes.
Comment: PM2,PP2,BP4,BP5

NM_003108.4(SOX11):c.483G>T (p.Lys161Asn)

Gene: SOX11 (SRY-box transcription factor 11; plus strand). Cytogenetic location: 2p25.2.
Variant type: single nucleotide variant.
Coding change: c.483G>T on transcript NM_003108.4 (MANE Select); coding-DNA position 483, G replaced by T.
Protein change: p.Lys161Asn; replaces lysine 161 with asparagine.
Molecular consequence: missense variant.
Genome position (GRCh38, 1-based): chr2:5,693,204, G>T. VCF-style: chr2-5693204-G-T. GRCh37 (hg19) VCF-style: chr2-5833336-G-T.
Other names: c.483G>T (NM_003108.3); short protein forms K161N.
Identifiers: ClinVar variation 3251957 (VCV003251957.3), dbSNP rs2465087778.